The following is an entry in ClinVar:

NM_012123.4(MTO1):c.2072_2073del (p.Glu691fs)

Gene: MTO1 (mitochondrial tRNA translation optimization 1; plus strand). Cytogenetic location: 6q13.
Variant type: Microsatellite.
Coding change: c.2072_2073del on transcript NM_012123.4 (MANE Select); coding-DNA positions 2072 to 2073, 2 bases deleted (AG; older notation c.2072_2073delAG).
Protein change: p.Glu691fs; shifts the reading frame from glutamic acid 691.
Molecular consequence: frameshift variant.
Genome position (GRCh38, 1-based): chr6:73,500,728-73,500,729, AG deleted; deleting any 2 consecutive bases within chr6:73,500,720-73,500,729 gives the same sequence; the c. name uses the placement nearest the transcript's 3' end. VCF-style (leftmost placement, unchanged base first): chr6-73500719-AAG-A. GRCh37 (hg19) VCF-style: chr6-74210442-AAG-A.
Other names: c.2072_2073delAG (NM_012123.3); c.2072_2073del (NM_012123.3); c.2192_2193del, p.Glu731fs (NM_001123226.2); c.2147_2148del, p.Glu716fs (NM_133645.3); short protein forms E691fs, E716fs, E731fs.
Identifiers: ClinVar variation 1699412 (VCV001699412.5), dbSNP rs759445569, ClinGen allele CA3889817.

ClinVar aggregate classification (germline): Uncertain significance. Review status: criteria provided, multiple submitters, no conflicts (2 of 4 stars). 2 submissions from 2 submitters: Uncertain significance (2). Last evaluated 2023-11-21.

Conditions:
Mitochondrial hypertrophic cardiomyopathy with lactic acidosis due to MTO1 deficiency. Also called: Combined oxidative phosphorylation deficiency 10; CARDIOMYOPATHY, INFANTILE HYPERTROPHIC MITOCHONDRIAL, AND LACTIC ACIDOSIS. Identifiers: Orphanet 314637, MedGen C4749921, MONDO:0013865, OMIM 614702.

Submissions (2):

Revvity Omics, Revvity
Classification: Uncertain significance for Mitochondrial hypertrophic cardiomyopathy with lactic acidosis due to MTO1 deficiency. Last evaluated: 2023-11-21. Review status: criteria provided, single submitter. Criteria: ACMG Guidelines, 2015. Collection method: clinical testing. Allele origin: germline.

Victorian Clinical Genetics Services, Murdoch Childrens Research Institute
Classification: Uncertain significance for Mitochondrial hypertrophic cardiomyopathy with lactic acidosis due to MTO1 deficiency. Last evaluated: 2019-08-28. Review status: criteria provided, single submitter. Criteria: ACMG Guidelines, 2015. Collection method: clinical testing. Allele origin: germline. Inheritance: Autosomal recessive inheritance.
Comment: A heterozygous frameshift deletion variant, NM_012123.3(MTO1):c.2072_2073del, has been identified in exon 12 of 12 of the MTO1 gene. This deletion is predicted to create a frameshift starting at amino acid position 691, introducing a stop codon 7 residues downstream (NP_036255.2(MTO1):p.(Glu691Valfs*7)). This variant is predicted to result in an elongated protein, which the diesase mechanism of pathogenicity for this gene is not well established. The variant is present in the gnomAD database at a frequency of 0.005% (11 heterozygotes, 0 homozygotes) but has not been previously reported in clinical cases. Based on the information available at the time of curation, this variant has been classified as a VARIANT of UNCERTAIN SIGNIFICANCE (VUS).